The following is an entry in ClinVar:

NM_152328.5(ADSS1):c.359-5C>T

Gene: ADSS1 (adenylosuccinate synthase 1; plus strand). Cytogenetic location: 14q32.33.
Variant type: single nucleotide variant.
Coding change: c.359-5C>T on transcript NM_152328.5 (MANE Select); 5 bases into the intron before coding-DNA position 359, C replaced by T.
Molecular consequence: intron variant.
Genome position (GRCh38, 1-based): chr14:104,739,323, C>T. VCF-style: chr14-104739323-C-T. GRCh37 (hg19) VCF-style: chr14-105205660-C-T.
Other names: c.488-5C>T (NM_199165.2); c.-240-5C>T (NM_001320424.1).
Identifiers: ClinVar variation 3046426 (VCV003046426.3), dbSNP rs754299902, ClinGen allele CA7373635.
Genomic context (GRCh38, chr14:104,739,323, plus strand): 5'-CCCCTCACGTGTGAGCTGCAGCGCACCTGTGAACACTGACCCACCTGTGTGCCGTGTCCC[C>T]GCAGGCCTGAAGGACTGGGAGAAGAGGCTCATCATCTCTGACAGAGCCCACCTTGGTACG-3'

ClinVar aggregate classification (germline): Likely benign. Review status: criteria provided, single submitter (1 of 4 stars). 2 submissions from 2 submitters: Likely benign (1). 1 of the submissions does not count toward it. Last evaluated 2025-09-02.

Conditions:
ADSS1-related disorder. Also called: ADSS1-related condition.

Allele frequency attached by ClinVar (database versions not stated): gnomAD 0.00002; TOPMed 0.00003; ExAC 0.00007.
gnomAD v4.1: 32 of 1,607,398 alleles (0.002%); highest among the groups gnomAD compares: East Asian, 0.016%; no homozygotes.

Submissions (2):

Labcorp Genetics (formerly Invitae), Labcorp
Classification: Likely benign. Last evaluated: 2025-09-02. Review status: criteria provided, single submitter. Criteria: Invitae Variant Classification Sherloc (09022015). Collection method: clinical testing. Allele origin: germline.

PreventionGenetics, part of Exact Sciences
Classification: Likely benign for ADSS1-related condition. Last evaluated: 2019-03-06. Review status: no assertion criteria provided. Collection method: clinical testing. Allele origin: germline. Not counted in ClinVar's aggregate classification.
Comment: This variant is classified as likely benign based on ACMG/AMP sequence variant interpretation guidelines (Richards et al. 2015 PMID: 25741868, with internal and published modifications).